The following is an entry in ClinVar:

NM_005030.6(PLK1):c.980T>C (p.Ile327Thr)

Gene: PLK1 (polo like kinase 1; plus strand). Cytogenetic location: 16p12.2.
Variant type: single nucleotide variant.
Coding change: c.980T>C on transcript NM_005030.6 (MANE Select); coding-DNA position 980, T replaced by C.
Protein change: p.Ile327Thr; replaces isoleucine 327 with threonine.
Molecular consequence: missense variant.
Genome position (GRCh38, 1-based): chr16:23,684,033, T>C. VCF-style: chr16-23684033-T-C. GRCh37 (hg19) VCF-style: chr16-23695354-T-C.
Other names: short protein forms I327T.
Identifiers: ClinVar variation 2371355 (VCV002371355.12), dbSNP rs199862442, ClinGen allele CA7964334.

ClinVar aggregate classification (germline): Uncertain significance. Review status: criteria provided, multiple submitters, no conflicts (2 of 4 stars). 2 submissions from 2 submitters: Uncertain significance (2). Last evaluated 2025-04-01.

Allele frequency attached by ClinVar (database versions not stated): ExAC 0.00006; TOPMed 0.00007; gnomAD 0.00010; ESP Exome Variant Server 0.00015; gnomAD exomes 0.00018.
gnomAD v4.1: 273 of 1,614,004 alleles (0.017%); highest among the groups gnomAD compares: Non-Finnish European, 0.022%; no homozygotes.

Submissions (2):

CeGaT Center for Human Genetics Tuebingen
Classification: Uncertain significance. Last evaluated: 2025-04-01. Review status: criteria provided, single submitter. Criteria: CeGaT Center For Human Genetics Tuebingen Variant Classification Criteria Version 2. Collection method: clinical testing. Allele origin: germline. Affected: yes. Observed: 1 variant allele.
Comment: PLK1: PP2

Ambry Genetics
Classification: Uncertain significance. Last evaluated: 2021-10-18. Review status: criteria provided, single submitter. Criteria: Ambry Variant Classification Scheme 2023. Collection method: clinical testing. Allele origin: germline.